The following is an entry in ClinVar:

NM_000760.4(CSF3R):c.1100G>A (p.Arg367Gln)

Gene: CSF3R (colony stimulating factor 3 receptor; minus strand). Cytogenetic location: 1p34.3.
Variant type: single nucleotide variant.
Coding change: c.1100G>A on transcript NM_000760.4 (MANE Select); coding-DNA position 1100, G replaced by A.
Protein change: p.Arg367Gln; replaces arginine 367 with glutamine.
Molecular consequence: missense variant.
Genome position (GRCh38, 1-based): chr1:36,471,618, C>T on the plus strand (G>A on the coding strand, the complement: CSF3R is on the minus strand). VCF-style: chr1-36471618-C-T. GRCh37 (hg19) VCF-style: chr1-36937219-C-T.
Other names: c.1100G>A, p.Arg367Gln (NM_156039.3, NM_172313.3); short protein forms R367Q.
Identifiers: ClinVar variation 934217 (VCV000934217.8), dbSNP rs140159756, ClinGen allele CA769274.

ClinVar aggregate classification (germline): Uncertain significance (1 of 4 stars; one submission).

Conditions:
Autosomal recessive severe congenital neutropenia due to CSF3R deficiency. Also called: Neutropenia, severe congenital, 7, autosomal recessive. Identifiers: Orphanet 420702, MedGen C4310764, MONDO:0014865, OMIM 617014.

Allele frequency attached by ClinVar (database versions not stated): ExAC 0.00001; gnomAD 0.00001; gnomAD exomes 0.00001; TOPMed 0.00002; ESP Exome Variant Server 0.00008.
gnomAD v4.1: 36 of 1,614,084 alleles (0.0022%); highest among the groups gnomAD compares: Non-Finnish European, 0.0028%; 1 homozygote.

Submission:

Labcorp Genetics (formerly Invitae), Labcorp
Classification: Uncertain significance for Autosomal recessive severe congenital neutropenia due to CSF3R deficiency. Last evaluated: 2024-06-07. Review status: criteria provided, single submitter. Criteria: Invitae Variant Classification Sherloc (09022015). Collection method: clinical testing. Allele origin: germline.
Comment: This sequence change replaces arginine, which is basic and polar, with glutamine, which is neutral and polar, at codon 367 of the CSF3R protein (p.Arg367Gln). This variant is present in population databases (rs140159756, gnomAD 0.0009%). This variant has not been reported in the literature in individuals affected with CSF3R-related conditions. ClinVar contains an entry for this variant (Variation ID: 934217). Advanced modeling of protein sequence and biophysical properties (such as structural, functional, and spatial information, amino acid conservation, physicochemical variation, residue mobility, and thermodynamic stability) performed at Invitae indicates that this missense variant is not expected to disrupt CSF3R protein function with a negative predictive value of 80%. In summary, the available evidence is currently insufficient to determine the role of this variant in disease. Therefore, it has been classified as a Variant of Uncertain Significance.